The following is an entry in ClinVar:

ClinVar aggregate classification (germline): Conflicting classifications of pathogenicity. Review status: criteria provided, conflicting classifications (1 of 4 stars). 3 submissions from 3 submitters: Likely pathogenic (2); Uncertain significance (1). Last evaluated 2024-02-25.

Conditions:
Joubert syndrome. Also called: CEREBELLOPARENCHYMAL DISORDER IV; JOUBERT-BOLTSHAUSER SYNDROME; Familial aplasia of the vermis. Identifiers: Orphanet 475, MedGen C5979921, MONDO:0018772.
Meckel-Gruber syndrome. Also called: DYSENCEPHALIA SPLANCHNOCYSTICA; GRUBER SYNDROME; Dysencephalia splachnocystica. Identifiers: Orphanet 564, MedGen C0265215, MONDO:0018921.
Joubert syndrome 6 (JBTS6). Identifiers: Orphanet 475, MedGen C1853153, MONDO:0012539, OMIM 610688.

gnomAD v4.1: 8 of 1,611,266 alleles (0.0005%); highest among the groups gnomAD compares: South Asian, 0.0077%; no homozygotes.

Submissions (3):

Labcorp Genetics (formerly Invitae), Labcorp
Classification: Likely pathogenic for Joubert syndrome; Meckel-Gruber syndrome. Last evaluated: 2024-02-25. Review status: criteria provided, single submitter. Criteria: Invitae Variant Classification Sherloc (09022015). Collection method: clinical testing. Allele origin: germline.
Comment: This sequence change replaces arginine, which is basic and polar, with leucine, which is neutral and non-polar, at codon 172 of the TMEM67 protein (p.Arg172Leu). This variant is present in population databases (no rsID available, gnomAD 0.003%). This variant has not been reported in the literature in individuals affected with TMEM67-related conditions. ClinVar contains an entry for this variant (Variation ID: 2628355). Advanced modeling of protein sequence and biophysical properties (such as structural, functional, and spatial information, amino acid conservation, physicochemical variation, residue mobility, and thermodynamic stability) performed at Invitae indicates that this missense variant is expected to disrupt TMEM67 protein function with a positive predictive value of 95%. Algorithms developed to predict the effect of sequence changes on RNA splicing suggest that this variant may disrupt the consensus splice site. This variant disrupts the p.Arg172 amino acid residue in TMEM67. Other variant(s) that disrupt this residue have been determined to be pathogenic (PMID: 19574260, 31019026, 34645491). This suggests that this residue is clinically significant, and that variants that disrupt this residue are likely to be disease-causing. In summary, the currently available evidence indicates that the variant is pathogenic, but additional data are needed to prove that conclusively. Therefore, this variant has been classified as Likely Pathogenic.

Daryl Scott Lab, Baylor College of Medicine
Classification: Uncertain significance for Joubert syndrome 6. Last evaluated: 2023-11-10. Review status: criteria provided, single submitter. Criteria: ACMG Guidelines, 2015. Collection method: clinical testing. Allele origin: biparental.

Clinical Genetics Laboratory, Skane University Hospital Lund
Classification: Likely pathogenic. Last evaluated: 2022-05-27. Review status: criteria provided, single submitter. Criteria: ACMG Guidelines, 2015. Collection method: clinical testing. Allele origin: germline. Affected: yes.

Literature cited by the submitters: PubMed 19574260 (cited by Labcorp Genetics (formerly Invitae), Labcorp); PubMed 31019026 (cited by Labcorp Genetics (formerly Invitae), Labcorp); PubMed 34645491 (cited by Labcorp Genetics (formerly Invitae), Labcorp).

NM_153704.6(TMEM67):c.515G>T (p.Arg172Leu)

Gene: TMEM67 (transmembrane protein 67; plus strand). Cytogenetic location: 8q22.1.
Variant type: single nucleotide variant.
Coding change: c.515G>T on transcript NM_153704.6 (MANE Select); coding-DNA position 515, G replaced by T.
Protein change: p.Arg172Leu; replaces arginine 172 with leucine.
Molecular consequence: missense variant. On other transcripts: non-coding transcript variant (1).
Genome position (GRCh38, 1-based): chr8:93,765,414, G>T. VCF-style: chr8-93765414-G-T. GRCh37 (hg19) VCF-style: chr8-94777642-G-T.
Other names: c.272G>T, p.Arg91Leu (NM_001142301.1); short protein forms R172L, R91L.
Identifiers: ClinVar variation 2628355 (VCV002628355.5), dbSNP rs750950408, ClinGen allele CA371686823.
Genomic context (GRCh38, chr8:93,765,414, plus strand): 5'-GTTTAGTATAATTTATTAACATTTTTAAAATTATTTTTGTTATATTGAACAGGTGCGTCC[G>T]ATGTGAGCCAACATTTGTTAATACCAGCAGGTCCTGTGCATGTTCAGAACCTAACATTTT-3'
Protein context (NP_714915.3, residues 162-182): VVNALGDRCV[Arg172Leu]CEPTFVNTSR